The following is an entry in ClinVar:

NM_002875.5(RAD51):c.1008T>A (p.Asp336Glu)

Gene: RAD51 (RAD51 recombinase; plus strand). Cytogenetic location: 15q15.1.
Variant type: single nucleotide variant.
Coding change: c.1008T>A on transcript NM_002875.5 (MANE Select); coding-DNA position 1008, T replaced by A.
Protein change: p.Asp336Glu; replaces aspartic acid 336 with glutamic acid.
Molecular consequence: missense variant. On other transcripts: 3 prime UTR variant (1).
Genome position (GRCh38, 1-based): chr15:40,731,166, T>A. VCF-style: chr15-40731166-T-A. GRCh37 (hg19) VCF-style: chr15-41023364-T-A.
Other names: c.1011T>A, p.Asp337Glu (NM_001164269.2, NM_133487.4); c.*43T>A (NM_001164270.2); short protein forms D337E, D336E.
Identifiers: ClinVar variation 3429556 (VCV003429556.1).
Genomic context (GRCh38, chr15:40,731,166, plus strand): 5'-CTCTCCCTGTCTTCCTGAAGCTGAAGCTATGTTCGCCATTAATGCAGATGGAGTGGGAGA[T>A]GCCAAAGACTGAATCATTGGGTTTTTCCTCTGTTAAAAACCTTAAGTGCTGCAGCCTAAT-3'
Protein context (NP_002866.2, residues 326-339): MFAINADGVG[Asp336Glu]AKD

ClinVar aggregate classification (germline): Uncertain significance (1 of 4 stars; one submission).

Conditions:
Inborn genetic diseases. Identifiers: MedGen C0950123, MeSH D030342.

Submission:

Ambry Genetics
Classification: Uncertain significance for Inborn genetic diseases. Last evaluated: 2024-10-13. Review status: criteria provided, single submitter. Criteria: Ambry Variant Classification Scheme 2023. Collection method: clinical testing. Allele origin: germline.
Comment: The p.D336E variant (also known as c.1008T>A), located in coding exon 9 of the RAD51 gene, results from a T to A substitution at nucleotide position 1008. The aspartic acid at codon 336 is replaced by glutamic acid, an amino acid with highly similar properties. This amino acid position is conserved. In addition, this alteration is predicted to be tolerated by in silico analysis. Based on the available evidence, the clinical significance of this variant remains unclear.